The following is an entry in ClinVar:

ClinVar aggregate classification (germline): Uncertain significance (1 of 4 stars; one submission).

gnomAD v4.1: 2 of 1,595,808 alleles (0.00013%); highest among the groups gnomAD compares: Non-Finnish European, 0.00017%; no homozygotes.

Submission:

GeneDx
Classification: Uncertain significance. Last evaluated: 2026-03-14. Review status: criteria provided, single submitter. Criteria: GeneDx Variant Classification Process June 2021. Collection method: clinical testing. Allele origin: germline.
Comment: Not observed at significant frequency in large population cohorts (gnomAD); In silico analysis supports that this missense variant has a deleterious effect on protein structure/function; Has not been previously published as pathogenic or benign to our knowledge

NM_001148.6(ANK2):c.397C>A (p.Pro133Thr)

Gene: ANK2 (ankyrin 2; plus strand). Cytogenetic location: 4q26.
Variant type: single nucleotide variant.
Coding change: c.397C>A on transcript NM_001148.6 (MANE Select); coding-DNA position 397, C replaced by A.
Protein change: p.Pro133Thr; replaces proline 133 with threonine.
Molecular consequence: missense variant.
Genome position (GRCh38, 1-based): chr4:113,232,173, C>A. VCF-style: chr4-113232173-C-A. GRCh37 (hg19) VCF-style: chr4-114153329-C-A.
Other names: c.334C>A, p.Pro112Thr (NM_001127493.3, NM_001354239.2, NM_001354243.2 and 33 more transcripts); c.397C>A, p.Pro133Thr (NM_001354225.2, NM_001354228.2, NM_001354232.2 and 9 more transcripts); c.442C>A, p.Pro148Thr (NM_001354230.2, NM_001354231.2, NM_001354237.2 and 5 more transcripts); c.379C>A, p.Pro127Thr (NM_001354261.2, NM_001386147.1, NM_001386160.1); c.385C>A, p.Pro129Thr (NM_001354269.3, NM_001386148.2, NM_001386186.2 and 1 more transcripts); c.448C>A, p.Pro150Thr (NM_001386174.1, NM_001386175.1); short protein forms P112T, P127T, P133T, P148T, P129T, P150T.
Identifiers: ClinVar variation 5009153 (VCV005009153.1).